The following continues an entry in ClinVar:

NM_000257.4(MYH7):c.5135G>A (p.Arg1712Gln)

ClinVar aggregate classification (germline): Pathogenic. Pathogenic (1).

Submissions 21 to 33 of 33:

Victorian Clinical Genetics Services, Murdoch Childrens Research Institute
Classification: Likely pathogenic for Hypertrophic cardiomyopathy 1. Last evaluated: 2020-05-26. Review status: criteria provided, single submitter. Criteria: ACMG Guidelines, 2015. Collection method: clinical testing. Allele origin: germline. Affected: yes. Not counted in ClinVar's aggregate classification.
Comment: Based on the classification scheme VCGS_Germline_v1.1.1, this variant is classified as 4-LIKELY PATHOGENIC. Following criteria are met: 0105 - The mechanism of disease for this gene is not clearly established, however missense variants have been proposed to act in a dominant negative manner (PMID: 24714796). (N) 0108 - This gene is known to be associated with both recessive and dominant disease (OMIM). (N) 0112 - Variants in this gene are known to have reduced penetrance (PMID: 29300372). (N) 0200 - Variant is predicted to result in a missense amino acid change from an arginine to a glutamine (exon 35). (N) 0251 - Variant is heterozygous. (N) 0302 - Variant is present in gnomAD <0.001 for a dominant condition (6 heterozygotes, 0 homozygotes). (P) 0502 - Missense variant with conflicting in silico predictions and/or uninformative conservation. (N) 0600 - Variant is located in an annotated domain or motif (Myosin tail; PDB). (N) 0704 - Comparable variant has low previous evidence for pathogenicity. A comparable missense variant resulting in a major amino acid change to a tryptophan, has been previously reported in HCM patients (ClinVar, PMID: 15483641). (N) 0801 - Strong previous evidence of pathogenicity in unrelated individuals. This variant has been reported in multiple HCM patients (ClinVar, VCGS, PMID: 29300372, 24510615, 23785128). (P) 1208 - Inheritance information for this variant is not currently available. (N) Legend: (P) - Pathogenic, (N) - Neutral, (B) - Benign

Institute of Human Genetics Munich, TUM University Hospital
Classification: Likely pathogenic for Hypertrophic cardiomyopathy 1. Last evaluated: 2020-01-13. Review status: criteria provided, single submitter. Criteria: Classification criteria August 2017. Collection method: clinical testing. Allele origin: maternal. Inheritance: Autosomal dominant inheritance. Affected: yes. Observed: 1 heterozygote. Not counted in ClinVar's aggregate classification.

Human Genome Sequencing Center Clinical Lab, Baylor College of Medicine
Classification: Likely pathogenic for Familial hypertrophic cardiomyopathy 1. Last evaluated: 2018-10-12. Review status: criteria provided, single submitter. Criteria: ACMG Guidelines, 2015. Collection method: clinical testing. Allele origin: germline. Not counted in ClinVar's aggregate classification.
Comment: The rare missense variant, c.5135G>A (p.Arg1712Gln) , in the MYH7 gene (seen 6 times in gnomAD) has been observed in at least 10 unrelated probands with hypertrophic cardiomyopathy with evidence of segregation with disease in some families (PMID 18403758, 21511876, 29300372, 23074333, 23785128, 24510615, 27247418). Based upon the above evidence, this c.5135G>A (p.Arg1712Gln) variant in MYH7 is classified as likely pathogenic.

Centre for Mendelian Genomics, University Medical Centre Ljubljana
Classification: Likely pathogenic for Hypertrophic cardiomyopathy. Last evaluated: 2017-01-01. Review status: criteria provided, single submitter. Criteria: ACMG Guidelines, 2015. Collection method: clinical testing. Allele origin: unknown. Affected: yes. Not counted in ClinVar's aggregate classification.

Stanford Center for Inherited Cardiovascular Disease, Stanford University
Classification: Likely pathogenic. Last evaluated: 2014-01-24. Review status: criteria provided, single submitter. Criteria: ACMG Guidelines, 2015. Collection method: provider interpretation. Allele origin: germline. Not counted in ClinVar's aggregate classification.

Diagnostics Centre, Carl Von Ossietzky University Oldenburg
Classification: Pathogenic for Dilated cardiomyopathy 1S. Last evaluated: 2025-06-13. Review status: no assertion criteria provided. Collection method: clinical testing. Allele origin: germline. Affected: yes. Observed: 1 variant allele. Not counted in ClinVar's aggregate classification.
Comment: The variant MYH7:c.5135G>A p.(Arg1712Gln), is located in the exon 35 of the MYH7 gene and results from guanine-to-adenine substitution at nucleotide position c.5135. The arginine at protein position 1712 is replaced by a glutamine. Missense variants in this gene or the affected region are a known disease mechanism and are rare in the general population. The affected protein region has significant levels of missense constrain. The variant has been classified as (Likely) Pathogenic in 30 entries in ClinVar (VCV000036642.81). The variant is classified as rare in the general population (MAF 1.67 * e-5 in gnomAD). The variant also includes a pathogenic classification by the ClinGen Cardiomyopathy Expert Panel. The variant is likely to be associated to HCM and has been reported in multiple unrelated individuals affected with MYH7-associated disorders (PMID: 37488328, 33673806, 31737537). Furthermore, segregation of the variant with the disease has been reported (ClinGen Cardiomyopathy Expert Panel). A missense variant (Arg1712Trp; rs121913650) colocalized in the affected protein position had been previously described as Likely pathogenic (VCV000014118.39). In summary, the variant is classified as Pathogenic.

Zotz-Klimas Genetics Lab, MVZ Zotz Klimas
Classification: Pathogenic for Hypertrophic cardiomyopathy 1. Last evaluated: 2023-10-09. Review status: no assertion criteria provided. Collection method: clinical testing. Allele origin: germline. Affected: yes. Not counted in ClinVar's aggregate classification.

NIHR Bioresource Rare Diseases, University of Cambridge
Classification: Likely pathogenic for Asymmetric septal hypertrophy. Last evaluated: 2018-01-01. Review status: no assertion criteria provided. Collection method: research. Allele origin: germline. Affected: yes. Not counted in ClinVar's aggregate classification.

Clinical Molecular Genetics Laboratory, Johns Hopkins All Children's Hospital
Classification: Likely pathogenic for Hypertrophic cardiomyopathy. Last evaluated: 2016-11-29. Review status: no assertion criteria provided. Collection method: clinical testing. Allele origin: germline. Affected: yes. Not counted in ClinVar's aggregate classification.

Clinical Genetics DNA and cytogenetics Diagnostics Lab, Erasmus MC, Erasmus Medical Center
Classification: Likely pathogenic. Review status: no assertion criteria provided. Collection method: clinical testing. Allele origin: germline. Affected: yes. Study: VKGL Data-share Consensus. Not counted in ClinVar's aggregate classification.

Clinical Genetics, Academic Medical Center
Classification: Likely pathogenic. Review status: no assertion criteria provided. Collection method: clinical testing. Allele origin: germline. Affected: yes. Study: VKGL Data-share Consensus. Not counted in ClinVar's aggregate classification.

Diagnostic Laboratory, Department of Genetics, University Medical Center Groningen
Classification: Likely pathogenic. Review status: no assertion criteria provided. Collection method: clinical testing. Allele origin: germline. Affected: yes. Study: VKGL Data-share Consensus. Not counted in ClinVar's aggregate classification.

Joint Genome Diagnostic Labs from Nijmegen and Maastricht, Radboudumc and MUMC+
Classification: Likely pathogenic. Review status: no assertion criteria provided. Collection method: clinical testing. Allele origin: germline. Affected: yes. Study: VKGL Data-share Consensus. Not counted in ClinVar's aggregate classification.

Literature cited by the submitters: PubMed 29300372 (cited by ClinGen Cardiomyopathy Variant Curation Expert Panel and Victorian Clinical Genetics Services, Murdoch Childrens Research Institute); PubMed 18403758 (cited by 6 submitters); PubMed 21511876 (cited by 6 submitters); PubMed 23785128 (cited by 7 submitters); PubMed 24510615 (cited by 7 submitters); PubMed 27247418 (cited by 5 submitters); PubMed 27532257 (cited by 6 submitters); PubMed 31308319 (cited by 4 submitters); PubMed 32894683 (cited by Labcorp Genetics (formerly Invitae), Labcorp); PubMed 15483641 (cited by 3 submitters); PubMed 25351510 (cited by Ambry Genetics and Women's Health and Genetics/Laboratory Corporation of America, LabCorp); PubMed 28771489 (cited by Color Diagnostics, LLC DBA Color Health and All of Us Research Program, National Institutes of Health); PubMed 30297972 (cited by Color Diagnostics, LLC DBA Color Health and All of Us Research Program, National Institutes of Health); PubMed 33495596 (cited by Color Diagnostics, LLC DBA Color Health and All of Us Research Program, National Institutes of Health); PubMed 33495597 (cited by Color Diagnostics, LLC DBA Color Health and All of Us Research Program, National Institutes of Health); PubMed 34352619 (cited by Color Diagnostics, LLC DBA Color Health and All of Us Research Program, National Institutes of Health); PubMed 34542152 (cited by Color Diagnostics, LLC DBA Color Health and All of Us Research Program, National Institutes of Health); PubMed 35026164 (cited by Color Diagnostics, LLC DBA Color Health and All of Us Research Program, National Institutes of Health); PubMed 35176171 (cited by Color Diagnostics, LLC DBA Color Health and All of Us Research Program, National Institutes of Health); PubMed 37488328 (cited by 3 submitters); PubMed 38489124 (cited by Color Diagnostics, LLC DBA Color Health); PubMed 38757491 (cited by Color Diagnostics, LLC DBA Color Health); PubMed 20298698 (cited by Women's Health and Genetics/Laboratory Corporation of America, LabCorp); PubMed 23054336 (cited by Women's Health and Genetics/Laboratory Corporation of America, LabCorp); PubMed 23074333 (cited by Women's Health and Genetics/Laboratory Corporation of America, LabCorp and Laboratory for Molecular Medicine, Mass General Brigham Personalized Medicine); PubMed 24835277 (cited by Women's Health and Genetics/Laboratory Corporation of America, LabCorp); PubMed 25892673 (cited by Women's Health and Genetics/Laboratory Corporation of America, LabCorp); PubMed 27688314 (cited by Women's Health and Genetics/Laboratory Corporation of America, LabCorp); PubMed 28193612 (cited by Women's Health and Genetics/Laboratory Corporation of America, LabCorp); PubMed 33673806 (cited by Women's Health and Genetics/Laboratory Corporation of America, LabCorp and Diagnostics Centre, Carl Von Ossietzky University Oldenburg); PubMed 35626289 (cited by Women's Health and Genetics/Laboratory Corporation of America, LabCorp); PubMed 34830538 (cited by Women's Health and Genetics/Laboratory Corporation of America, LabCorp); PubMed 24498601 (cited by Laboratory for Molecular Medicine, Mass General Brigham Personalized Medicine); PubMed 23197161 (cited by Laboratory for Molecular Medicine, Mass General Brigham Personalized Medicine); PubMed 24714796 (cited by Victorian Clinical Genetics Services, Murdoch Childrens Research Institute); PubMed 31737537 (cited by Diagnostics Centre, Carl Von Ossietzky University Oldenburg).